The following is an entry in ClinVar:

ClinVar aggregate classification (germline): Uncertain significance. Review status: criteria provided, multiple submitters, no conflicts (2 of 4 stars). 3 submissions from 3 submitters: Uncertain significance (3). Last evaluated 2025-10-05.

Allele frequency attached by ClinVar (database versions not stated): TOPMed 0.00009; gnomAD 0.00004 and 0.00005.
gnomAD v4.1: 180 of 1,551,192 alleles (0.012%); highest among the groups gnomAD compares: Non-Finnish European, 0.014%; no homozygotes.

Submissions (3):

Dasa
Classification: Uncertain significance. Last evaluated: 2025-10-05. Review status: criteria provided, single submitter. Criteria: DASA Assertion Criteria. Collection method: clinical testing. Allele origin: germline.
Comment: NM_001145715.3(KPNA7):c.1330C>T (p.Arg444Trp) is a missense variant that results in the substitution of arginine with tryptophan. This variant is rare in population databases. Computational prediction algorithms are consistent with a benign effect. The currently available literature and clinical evidence are not sufficient to establish a definitive association between this variant and the reported condition. Therefore, this variant is classified as a variant of uncertain significance.

Ambry Genetics
Classification: Uncertain significance. Last evaluated: 2025-05-20. Review status: criteria provided, single submitter. Criteria: Ambry Variant Classification Scheme 2023. Collection method: clinical testing. Allele origin: germline.

Labcorp Genetics (formerly Invitae), Labcorp
Classification: Uncertain significance. Last evaluated: 2024-05-15. Review status: criteria provided, single submitter. Criteria: Invitae Variant Classification Sherloc (09022015). Collection method: clinical testing. Allele origin: germline.
Comment: This sequence change replaces arginine, which is basic and polar, with tryptophan, which is neutral and slightly polar, at codon 444 of the KPNA7 protein (p.Arg444Trp). This variant is present in population databases (rs201961379, gnomAD 0.009%). This variant has not been reported in the literature in individuals affected with KPNA7-related conditions. ClinVar contains an entry for this variant (Variation ID: 862294). Advanced modeling of protein sequence and biophysical properties (such as structural, functional, and spatial information, amino acid conservation, physicochemical variation, residue mobility, and thermodynamic stability) performed at Invitae indicates that this missense variant is not expected to disrupt KPNA7 protein function with a negative predictive value of 80%. In summary, the available evidence is currently insufficient to determine the role of this variant in disease. Therefore, it has been classified as a Variant of Uncertain Significance.

NM_001145715.3(KPNA7):c.1330C>T (p.Arg444Trp)

Gene: KPNA7 (karyopherin subunit alpha 7; minus strand). Cytogenetic location: 7q22.1.
Variant type: single nucleotide variant.
Coding change: c.1330C>T on transcript NM_001145715.3 (MANE Select); coding-DNA position 1330, C replaced by T.
Protein change: p.Arg444Trp; replaces arginine 444 with tryptophan.
Molecular consequence: missense variant.
Genome position (GRCh38, 1-based): chr7:99,178,054, G>A on the plus strand (C>T on the coding strand, the complement: KPNA7 is on the minus strand). VCF-style: chr7-99178054-G-A. GRCh37 (hg19) VCF-style: chr7-98775677-G-A.
Other names: short protein forms R444W.
Identifiers: ClinVar variation 862294 (VCV000862294.13), dbSNP rs201961379, ClinGen allele CA163744404.